The following is an entry in ClinVar:

NM_003737.4(DCHS1):c.3929A>C (p.Gln1310Pro)

Gene: DCHS1 (dachsous cadherin-related 1; minus strand). Cytogenetic location: 11p15.4.
Variant type: single nucleotide variant.
Coding change: c.3929A>C on transcript NM_003737.4 (MANE Select); coding-DNA position 3929, A replaced by C.
Protein change: p.Gln1310Pro; replaces glutamine 1310 with proline.
Molecular consequence: missense variant.
Genome position (GRCh38, 1-based): chr11:6,631,054, T>G on the plus strand (A>C on the coding strand, the complement: DCHS1 is on the minus strand). VCF-style: chr11-6631054-T-G. GRCh37 (hg19) VCF-style: chr11-6652285-T-G.
Other names: short protein forms Q1310P.
Identifiers: ClinVar variation 4734946 (VCV004734946.1).

ClinVar aggregate classification (germline): Uncertain significance (1 of 4 stars; one submission).

Submission:

Labcorp Genetics (formerly Invitae), Labcorp
Classification: Uncertain significance. Last evaluated: 2026-01-14. Review status: criteria provided, single submitter. Criteria: Invitae Variant Classification Sherloc (09022015). Collection method: clinical testing. Allele origin: germline.
Comment: This sequence change replaces glutamine, which is neutral and polar, with proline, which is neutral and non-polar, at codon 1310 of the DCHS1 protein (p.Gln1310Pro). This variant is not present in population databases (gnomAD no frequency). This variant has not been reported in the literature in individuals affected with DCHS1-related conditions. An algorithm developed to predict the effect of missense changes on protein structure and function (PolyPhen-2) suggests that this variant is likely to be disruptive. In summary, the available evidence is currently insufficient to determine the role of this variant in disease. Therefore, it has been classified as a Variant of Uncertain Significance.